The following is an entry in ClinVar:

ClinVar aggregate classification (germline): Uncertain significance (1 of 4 stars; one submission).

Conditions:
Hypertrophic cardiomyopathy. Also called: HYPERTROPHIC MYOCARDIOPATHY. Identifiers: Orphanet 217569, MedGen C0007194, MeSH D002312, MONDO:0005045, HP:0001639.

gnomAD v4.1: 7 of 1,613,600 alleles (0.00043%); highest among the groups gnomAD compares: African/African-American, 0.0093%; no homozygotes.

Submission:

Labcorp Genetics (formerly Invitae), Labcorp
Classification: Uncertain significance for Hypertrophic cardiomyopathy. Last evaluated: 2024-04-30. Review status: criteria provided, single submitter. Criteria: Invitae Variant Classification Sherloc (09022015). Collection method: clinical testing. Allele origin: germline.
Comment: This sequence change replaces leucine, which is neutral and non-polar, with methionine, which is neutral and non-polar, at codon 1077 of the MYOM1 protein (p.Leu1077Met). This variant is present in population databases (rs769859396, gnomAD 0.01%). This variant has not been reported in the literature in individuals affected with MYOM1-related conditions. ClinVar contains an entry for this variant (Variation ID: 1442776). Advanced modeling of protein sequence and biophysical properties (such as structural, functional, and spatial information, amino acid conservation, physicochemical variation, residue mobility, and thermodynamic stability) performed at Invitae indicates that this missense variant is not expected to disrupt MYOM1 protein function with a negative predictive value of 80%. In summary, the available evidence is currently insufficient to determine the role of this variant in disease. Therefore, it has been classified as a Variant of Uncertain Significance.

NM_003803.4(MYOM1):c.3229T>A (p.Leu1077Met)

Gene: MYOM1 (myomesin 1; minus strand). Cytogenetic location: 18p11.31.
Variant type: single nucleotide variant.
Coding change: c.3229T>A on transcript NM_003803.4 (MANE Select); coding-DNA position 3229, T replaced by A.
Protein change: p.Leu1077Met; replaces leucine 1077 with methionine.
Molecular consequence: missense variant.
Genome position (GRCh38, 1-based): chr18:3,116,405, A>T on the plus strand (T>A on the coding strand, the complement: MYOM1 is on the minus strand). VCF-style: chr18-3116405-A-T. GRCh37 (hg19) VCF-style: chr18-3116403-A-T.
Other names: c.2941T>A, p.Leu981Met (NM_019856.2); short protein forms L981M, L1077M.
Identifiers: ClinVar variation 1442776 (VCV001442776.8), dbSNP rs769859396, ClinGen allele CA8874377.
Genomic context (GRCh38, chr18:3,116,405, plus strand): 5'-TTTTAATAGCCGCCTCATTGAGCCCTCGCCACTGGTCTTCTTTGGCCTTGGCCTCCTTCA[A>T]GTCCACGAAGTAACCAGTGACCGGAGTCCGCCCGGAGTGGACTGGCGGCTTCCACTGGAG-3'
Protein context (NP_003794.3, residues 1067-1087): RTPVTGYFVD[Leu1077Met]KEAKAKEDQW